The following is an entry in ClinVar:

NM_177438.3(DICER1):c.1089C>T (p.Phe363=)

Gene: DICER1 (dicer 1, ribonuclease III; minus strand). Cytogenetic location: 14q32.13.
Variant type: single nucleotide variant.
Coding change: c.1089C>T on transcript NM_177438.3 (MANE Select); coding-DNA position 1089, C replaced by T.
Protein change: p.Phe363=; no amino-acid change (phenylalanine 363 retained).
Molecular consequence: synonymous variant.
Genome position (GRCh38, 1-based): chr14:95,124,483, G>A on the plus strand (C>T on the coding strand, the complement: DICER1 is on the minus strand). VCF-style: chr14-95124483-G-A. GRCh37 (hg19) VCF-style: chr14-95590820-G-A.
Other names: NM_177438.3(DICER1):c.1089C>T; p.Phe363=; c.1089C>T, p.Phe363= (NM_001195573.1, NM_001271282.3, NM_001291628.2 and 1 more transcripts).
Identifiers: ClinVar variation 242030 (VCV000242030.24), dbSNP rs878855239, ClinGen allele CA10583223.

ClinVar aggregate classification (germline): Likely benign. Review status: reviewed by expert panel (3 of 4 stars). 6 submissions from 6 submitters: Likely benign (1). 5 of the submissions do not count toward it. Last evaluated 2024-04-23.

Conditions:
DICER1-related disorder. Also called: DICER1-related condition.
DICER1-related tumor predisposition. Also called: DICER1 syndrome; DICER1-related pleuropulmonary blastoma cancer predisposition syndrome. Identifiers: Orphanet 284343, MedGen C3839822, MONDO:0100216.
Hereditary cancer-predisposing syndrome. Also called: Neoplastic Syndromes, Hereditary; Hereditary neoplastic syndrome; Hereditary Cancer Syndrome; Tumor predisposition. Identifiers: Orphanet 140162, MedGen C0027672, MeSH D009386, MONDO:0015356.

gnomAD v4.1: 2 of 1,614,138 alleles (0.00012%); no homozygotes.

Submissions (6):

ClinGen DICER1 and miRNA-Processing Gene Variant Curation Expert Panel, ClinGen
Classification: Likely benign for DICER1-related tumor predisposition. Last evaluated: 2024-04-23. Review status: reviewed by expert panel. Criteria: ClinGen DICER1 ACMG Specifications DICER1 V1.3.0. Collection method: curation. Allele origin: germline. Inheritance: Autosomal dominant inheritance.
Comment: The NM_177438.3:c.1089C>T (p.Phe363=) variant is a synonymous (silent) variant that is not predicted to impact splicing by MaxEntScan or SpliceAI (BP4, BP7). The total allele frequency in gnomAD v4.1.0 is 0.000001368 (2/1461842 alleles) with a highest population minor allele frequency of 0.00003312 (2/60394 alleles) in a population of undisclosed ancestry (PM2_Supporting, BS1, and BA1 are not met). In summary, this variant meets the criteria to be classified as Likely Benign for DICER1-related tumor predisposition based on the ACMG/AMP criteria applied, as specified by the ClinGen DICER1 VCEP: BP4, BP7. (Bayesian Points: -2; VCEP specifications version 1.3.0; 04/23/2024)

Myriad Genetics, Inc.
Classification: Benign for DICER1-related tumor predisposition. Last evaluated: 2026-04-15. Review status: criteria provided, single submitter. Criteria: Myriad Autosomal Dominant, Autosomal Recessive and X-Linked Classification Criteria (2023). Collection method: clinical testing. Allele origin: unknown. Not counted in ClinVar's aggregate classification.
Comment: This variant is considered benign. This variant is a silent/synonymous amino acid change and it is not expected to impact splicing.

Labcorp Genetics (formerly Invitae), Labcorp
Classification: Likely benign for DICER1-related tumor predisposition. Last evaluated: 2025-12-16. Review status: criteria provided, single submitter. Criteria: Invitae Variant Classification Sherloc (09022015). Collection method: clinical testing. Allele origin: germline. Not counted in ClinVar's aggregate classification.

PreventionGenetics, part of Exact Sciences
Classification: Likely benign for DICER1-related condition. Last evaluated: 2025-10-22. Review status: criteria provided, single submitter. Criteria: ACMG Guidelines, 2015. Collection method: clinical testing. Allele origin: germline. Not counted in ClinVar's aggregate classification.
Comment: This variant is classified as likely benign based on ACMG/AMP sequence variant interpretation guidelines (Richards et al. 2015 PMID: 25741868, with internal and published modifications).

Ambry Genetics
Classification: Likely benign for Hereditary cancer-predisposing syndrome. Last evaluated: 2019-08-14. Review status: criteria provided, single submitter. Criteria: Ambry Variant Classification Scheme 2023. Collection method: clinical testing. Allele origin: germline. Not counted in ClinVar's aggregate classification.

Illumina Laboratory Services, Illumina
Classification: Uncertain significance for Pleuropulmonary blastoma. Last evaluated: 2018-01-13. Review status: criteria provided, single submitter. Criteria: ICSL Variant Classification Criteria 13 December 2019. Collection method: clinical testing. Allele origin: germline. Not counted in ClinVar's aggregate classification.